The following is an entry in ClinVar:

ClinVar aggregate classification (germline): Uncertain significance (1 of 4 stars; one submission).

Allele frequency attached by ClinVar (database versions not stated): TOPMed below 0.00001; gnomAD 0.00001.
gnomAD v4.1: 4 of 1,613,570 alleles (0.00025%); highest among the groups gnomAD compares: Non-Finnish European, 0.00025%; no homozygotes.

Submission:

CeGaT Center for Human Genetics Tuebingen
Classification: Uncertain significance. Last evaluated: 2025-07-01. Review status: criteria provided, single submitter. Criteria: CeGaT Center For Human Genetics Tuebingen Variant Classification Criteria Version 2. Collection method: clinical testing. Allele origin: germline. Affected: yes. Observed: 2 variant alleles.
Comment: TTN: PM2, PP3

NM_001267550.2(TTN):c.23764T>C (p.Trp7922Arg)

Gene: TTN (titin; minus strand). Cytogenetic location: 2q31.2.
Variant type: single nucleotide variant.
Coding change: c.23764T>C on transcript NM_001267550.2 (MANE Select); coding-DNA position 23764, T replaced by C.
Protein change: p.Trp7922Arg; replaces tryptophan 7922 with arginine.
Molecular consequence: missense variant. On other transcripts: intron variant (3).
Genome position (GRCh38, 1-based): chr2:178,719,728, A>G on the plus strand (T>C on the coding strand, the complement: TTN is on the minus strand). VCF-style: chr2-178719728-A-G. GRCh37 (hg19) VCF-style: chr2-179584455-A-G.
Other names: c.20032T>C, p.Trp6678Arg (NM_133378.4); c.13282+18354T>C (NM_003319.4); c.13858+18354T>C (NM_133437.4); c.13657+18354T>C (NM_133432.3); c.22813T>C, p.Trp7605Arg (NM_001256850.1); short protein forms W6678R, W7605R, W7922R.
Identifiers: ClinVar variation 2651683 (VCV002651683.24), dbSNP rs1049106432, ClinGen allele CA60971864.